The following is an entry in ClinVar:

NG_011545.1(CSTB):g.4900_4935CCCCGCCCCGCG[30_125]

Genes: CSTB (cystatin B; minus strand), LOC109029533 (cystatin B upstream repeat instability region; plus strand), LOC130066788 (ATAC-STARR-seq lymphoblastoid silent region 13368; plus strand). Cytogenetic location: 21q22.3.
Variant type: Microsatellite.
Other names: c.-210_-199(30_125) (LRG_485t1); c.-210_-199[30_125] (NM_000100.3).
Identifiers: ClinVar variation 55956 (VCV000055956.2).

ClinVar aggregate classification (germline): Pathogenic. Review status: no assertion criteria provided (0 of 4 stars). 2 submissions from 2 submitters: Pathogenic (2). Last evaluated 2014-11-25.

Conditions:
Unverricht-Lundborg syndrome. Also called: Myoclonic epilepsy of unverricht and lundborg; Epilepsy, progressive myoclonic 1A (Unverricht and Lundborg); EPILEPSY, PROGRESSIVE MYOCLONIC, 1A; Unverricht-Lundborg Disease; Progressive myoclonus epilepsy baltic myoclonic epilepsy; Myoclonus progressive epilepsy of Unverricht and Lundborg. Identifiers: Orphanet 308, MedGen C0751785, MONDO:0009698, OMIM 254800.

Submissions (2):

GeneReviews
Classification: Pathogenic for Unverricht-Lundborg syndrome. Last evaluated: 2014-11-25. Review status: no assertion criteria provided. Collection method: literature only. Allele origin: germline. Affected: yes.
Comment: dodecamer repeat in promoter region

Juha Muilu Group; Institute for Molecular Medicine Finland (FIMM)
Classification: Pathogenic for Unverricht-Lundborg syndrome. Review status: no assertion criteria provided. Collection method: not provided. Allele origin: unknown.
Comment: FinDis database variant: FinDis database variant: This variant was not found or characterized by our laboratory, data were collected from public sources: see reference
ClinVar note: Converted during submission from pathogenic to Pathogenic.